The following is an entry in ClinVar:

ClinVar aggregate classification (germline): Conflicting classifications of pathogenicity. Review status: criteria provided, conflicting classifications (1 of 4 stars). 3 submissions from 3 submitters: Uncertain significance (1); Likely benign (2). Last evaluated 2025-11-26.

Conditions:
ROR2-related disorder. Also called: ROR2-related condition; ROR2-related disorders.

Allele frequency attached by ClinVar (database versions not stated): gnomAD exomes 0.00005 and 0.00014; ExAC 0.00020; gnomAD 0.00044 and 0.00046; 1000 Genomes Project 30x 0.00047; TOPMed 0.00050; 1000 Genomes Project 0.00060; ESP Exome Variant Server 0.00069.
gnomAD v4.1: 145 of 1,613,694 alleles (0.009%); highest among the groups gnomAD compares: African/African-American, 0.15%; no homozygotes.

Submissions (3):

PreventionGenetics, part of Exact Sciences
Classification: Likely benign for ROR2-related condition. Last evaluated: 2025-11-26. Review status: criteria provided, single submitter. Criteria: ACMG Guidelines, 2015. Collection method: clinical testing. Allele origin: germline.
Comment: This variant is classified as likely benign based on ACMG/AMP sequence variant interpretation guidelines (Richards et al. 2015 PMID: 25741868, with internal and published modifications).

Labcorp Genetics (formerly Invitae), Labcorp
Classification: Likely benign. Last evaluated: 2025-11-10. Review status: criteria provided, single submitter. Criteria: Invitae Variant Classification Sherloc (09022015). Collection method: clinical testing. Allele origin: germline.

Eurofins Ntd Llc (ga)
Classification: Uncertain significance. Last evaluated: 2017-06-07. Review status: criteria provided, single submitter. Criteria: EGL Classification Definitions 2015. Collection method: clinical testing. Allele origin: germline. Observed: 1 variant allele, 1 heterozygote.

NM_004560.4(ROR2):c.234G>A (p.Thr78=)

Gene: ROR2 (ROR family WNT receptor 2; minus strand). Cytogenetic location: 9q22.31.
Variant type: single nucleotide variant.
Coding change: c.234G>A on transcript NM_004560.4 (MANE Select); coding-DNA position 234, G replaced by A.
Protein change: p.Thr78=; no amino-acid change (threonine 78 retained).
Molecular consequence: synonymous variant.
Genome position (GRCh38, 1-based): chr9:91,757,501, C>T on the plus strand (G>A on the coding strand, the complement: ROR2 is on the minus strand). VCF-style: chr9-91757501-C-T. GRCh37 (hg19) VCF-style: chr9-94519783-C-T.
Other names: c.234G>A, p.Thr78= (NM_001318204.2).
Identifiers: ClinVar variation 502433 (VCV000502433.16), dbSNP rs141093530, ClinGen allele CA5121078.